The following is an entry in ClinVar:

NM_030780.5(SLC25A32):c.425G>A (p.Trp142Ter)

Gene: SLC25A32 (solute carrier family 25 member 32; minus strand). Cytogenetic location: 8q22.3.
Variant type: single nucleotide variant.
Coding change: c.425G>A on transcript NM_030780.5 (MANE Select); coding-DNA position 425, G replaced by A.
Protein change: p.Trp142Ter; replaces tryptophan 142 with a stop codon.
Molecular consequence: nonsense. On other transcripts: non-coding transcript variant (2).
Genome position (GRCh38, 1-based): chr8:103,403,291, C>T on the plus strand (G>A on the coding strand, the complement: SLC25A32 is on the minus strand). VCF-style: chr8-103403291-C-T. GRCh37 (hg19) VCF-style: chr8-104415519-C-T.
Other names: short protein forms W142*.
Identifiers: ClinVar variation 223105 (VCV000223105.10), dbSNP rs147014855, ClinGen allele CA089616.

ClinVar aggregate classification (germline): Uncertain significance. Review status: criteria provided, multiple submitters, no conflicts (2 of 4 stars). 3 submissions from 3 submitters: Uncertain significance (2). 1 of the submissions does not count toward it. Last evaluated 2025-02-13.

Conditions:
Exercise intolerance, riboflavin-responsive (RREI). Identifiers: MedGen C4225187, MONDO:0014795, OMIM 616839.

Allele frequency attached by ClinVar (database versions not stated): ExAC 0.00002; gnomAD exomes 0.00005 and 0.00003; ESP Exome Variant Server 0.00015; gnomAD 0.00001; TOPMed 0.00002.
gnomAD v4.1: 78 of 1,611,096 alleles (0.0048%); highest among the groups gnomAD compares: Non-Finnish European, 0.006%; no homozygotes.

Submissions (4):

Women's Health and Genetics/Laboratory Corporation of America, LabCorp
Classification: Uncertain significance. Last evaluated: 2025-02-13. Review status: criteria provided, single submitter. Criteria: LabCorp Variant Classification Summary - May 2015. Collection method: clinical testing. Allele origin: germline.
Comment: Variant summary: SLC25A32 c.425G>A (p.Trp142X) results in a premature termination codon, predicted to cause a truncation of the encoded protein or absence of the protein due to nonsense mediated decay, however current evidence is not sufficient to establish loss of function as a mechanism for disease. The variant allele was found at a frequency of 3.2e-05 in 251224 control chromosomes. The available data on variant occurrences in the general population are insufficient to allow any conclusion about variant significance. c.425G>A has been reported in the literature in at least one compound heterozygous individual affected with Exercise Intolerance, Riboflavin-Responsive (e.g., Schiff_2016). These data do not allow any conclusion about variant significance. To our knowledge, no experimental evidence demonstrating an impact on protein function has been reported. The following publication have been ascertained in the context of this evaluation (PMID: 26933868). ClinVar contains an entry for this variant (Variation ID: 223105). Based on the evidence outlined above, the variant was classified as uncertain significance.

Labcorp Genetics (formerly Invitae), Labcorp
Classification: Uncertain significance. Last evaluated: 2022-08-04. Review status: criteria provided, single submitter. Criteria: Invitae Variant Classification Sherloc (09022015). Collection method: clinical testing. Allele origin: germline.
Comment: In summary, the available evidence is currently insufficient to determine the role of this variant in disease. Therefore, it has been classified as a Variant of Uncertain Significance. Algorithms developed to predict the effect of sequence changes on RNA splicing suggest that this variant may create or strengthen a splice site. ClinVar contains an entry for this variant (Variation ID: 223105). This premature translational stop signal has been observed in individual(s) with recurrent exercise intolerance (PMID: 26933868). This variant is present in population databases (rs147014855, gnomAD 0.007%). This sequence change creates a premature translational stop signal (p.Trp142*) in the SLC25A32 gene. It is expected to result in an absent or disrupted protein product. However, the current clinical and genetic evidence is not sufficient to establish whether loss-of-function variants in SLC25A32 cause disease.

OMIM
Classification: Pathogenic for EXERCISE INTOLERANCE, RIBOFLAVIN-RESPONSIVE (1 patient). Last evaluated: 2020-10-12. Review status: no assertion criteria provided. Collection method: literature only. Allele origin: germline. Not counted in ClinVar's aggregate classification.

Dr. Peter K. Rogan Lab, Western University
No classification provided (evidence only). Condition: Clear cell carcinoma of kidney. Review status: no classification provided. Collection method: in vitro. Allele origin: not applicable. Functional consequence: retained intron. Not counted in ClinVar's aggregate classification.

Literature cited by the submitters: PubMed 26933868 (cited by 3 submitters).